The following is an entry in ClinVar:

NM_001134363.3(RBM20):c.3304G>T (p.Val1102Leu)

Gene: RBM20 (RNA binding motif protein 20; plus strand). Cytogenetic location: 10q25.2.
Variant type: single nucleotide variant.
Coding change: c.3304G>T on transcript NM_001134363.3 (MANE Select); coding-DNA position 3304, G replaced by T.
Protein change: p.Val1102Leu; replaces valine 1102 with leucine.
Molecular consequence: missense variant.
Genome position (GRCh38, 1-based): chr10:110,821,923, G>T. VCF-style: chr10-110821923-G-T. GRCh37 (hg19) VCF-style: chr10-112581681-G-T.
Other names: short protein forms V1102L.
Identifiers: ClinVar variation 1730015 (VCV001730015.3), dbSNP rs913217676, ClinGen allele CA213229942.

ClinVar aggregate classification (germline): Uncertain significance. Review status: criteria provided, multiple submitters, no conflicts (2 of 4 stars). 2 submissions from 2 submitters: Uncertain significance (2). Last evaluated 2023-05-16.

Conditions:
Cardiomyopathy (CMYO). Also called: Cardiomyopathies. Identifiers: Orphanet 167848, MedGen C0878544, MONDO:0004994, HP:0001638. Inheritance: Various modes of inheritance.
Cardiovascular phenotype. Identifiers: MedGen CN230736.

Submissions (2):

CHEO Genetics Diagnostic Laboratory, Children's Hospital of Eastern Ontario
Classification: Uncertain significance for Cardiomyopathy. Last evaluated: 2023-05-16. Review status: criteria provided, single submitter. Criteria: ACMG Guidelines, 2015. Collection method: clinical testing. Allele origin: germline.

Ambry Genetics
Classification: Uncertain significance for Cardiovascular phenotype. Last evaluated: 2020-07-17. Review status: criteria provided, single submitter. Criteria: Ambry Variant Classification Scheme 2023. Collection method: clinical testing. Allele origin: germline.
Comment: The p.V1102L variant (also known as c.3304G>T), located in coding exon 11 of the RBM20 gene, results from a G to T substitution at nucleotide position 3304. The valine at codon 1102 is replaced by leucine, an amino acid with highly similar properties. This amino acid position is well conserved in available vertebrate species. In addition, this alteration is predicted to be tolerated by in silico analysis. Since supporting evidence is limited at this time, the clinical significance of this alteration remains unclear.